The following is an entry in ClinVar:

ClinVar aggregate classification (germline): Uncertain significance (0 of 4 stars; one submission).

Conditions:
FBN2-related disorder. Also called: FBN2-related condition.

Submission:

PreventionGenetics, part of Exact Sciences
Classification: Uncertain significance for FBN2-related condition. Last evaluated: 2023-12-15. Review status: no assertion criteria provided. Collection method: clinical testing. Allele origin: germline.
Comment: The FBN2 c.6105G>C variant is predicted to result in the amino acid substitution p.Leu2035Phe. To our knowledge, this variant has not been reported in the literature or in a large population database, indicating this variant is rare. At this time, the clinical significance of this variant is uncertain due to the absence of conclusive functional and genetic evidence.

NM_001999.4(FBN2):c.6105G>C (p.Leu2035Phe)

Gene: FBN2 (fibrillin 2; minus strand). Cytogenetic location: 5q23.3.
Variant type: single nucleotide variant.
Coding change: c.6105G>C on transcript NM_001999.4 (MANE Select); coding-DNA position 6105, G replaced by C.
Protein change: p.Leu2035Phe; replaces leucine 2035 with phenylalanine.
Molecular consequence: missense variant.
Genome position (GRCh38, 1-based): chr5:128,300,878, C>G on the plus strand (G>C on the coding strand, the complement: FBN2 is on the minus strand). VCF-style: chr5-128300878-C-G. GRCh37 (hg19) VCF-style: chr5-127636570-C-G.
Other names: short protein forms L2035F.
Identifiers: ClinVar variation 3030121 (VCV003030121.2), dbSNP rs2479711652, ClinGen allele CA360766430.